The following is an entry in ClinVar:

ClinVar aggregate classification (germline): Likely benign. Review status: criteria provided, multiple submitters, no conflicts (2 of 4 stars). 2 submissions from 2 submitters: Likely benign (2). Last evaluated 2026-07-01.

Allele frequency attached by ClinVar (database versions not stated): gnomAD 0.00002 and 0.00003; TOPMed 0.00002; gnomAD exomes 0.00003; 1000 Genomes Project 30x 0.00016; 1000 Genomes Project 0.00020.

Submissions (2):

CeGaT Center for Human Genetics Tuebingen
Classification: Likely benign. Last evaluated: 2026-07-01. Review status: criteria provided, single submitter. Criteria: CeGaT Center For Human Genetics Tuebingen Variant Classification Criteria Version 2. Collection method: clinical testing. Allele origin: germline. Affected: yes. Observed: 1 variant allele.
Comment: DVL1: BP4, BP7

Labcorp Genetics (formerly Invitae), Labcorp
Classification: Likely benign. Last evaluated: 2022-11-05. Review status: criteria provided, single submitter. Criteria: Invitae Variant Classification Sherloc (09022015). Collection method: clinical testing. Allele origin: germline.

NM_001330311.2(DVL1):c.1572G>A (p.Pro524=)

Gene: DVL1 (dishevelled segment polarity protein 1; minus strand). Cytogenetic location: 1p36.33.
Variant type: single nucleotide variant.
Coding change: c.1572G>A on transcript NM_001330311.2 (MANE Select); coding-DNA position 1572, G replaced by A.
Protein change: p.Pro524=; no amino-acid change (proline 524 retained).
Molecular consequence: synonymous variant.
Genome position (GRCh38, 1-based): chr1:1,338,119, C>T on the plus strand (G>A on the coding strand, the complement: DVL1 is on the minus strand). VCF-style: chr1-1338119-C-T. GRCh37 (hg19) VCF-style: chr1-1273499-C-T.
Other names: c.1497G>A, p.Pro499= (NM_004421.3).
Identifiers: ClinVar variation 1529548 (VCV001529548.10), dbSNP rs531247891, ClinGen allele CA16752954.
Genomic context (GRCh38, chr1:1,338,119, plus strand): 5'-TCCCGGGTACTGGTAGGGGTAGCCCTGACCCAGAGGCCAGGGGGCAGCCGGGTGGGGCAG[C>T]GGGGCCAGCGTGTCCTGATCCGAAGTCCCACTGGAGCCACTGTTGAGGTTCAGGGTGGCG-3'
Protein context (NP_001317240.1, residues 514-534): SGTSDQDTLA[Pro524=]LPHPAAPWPL